The following is an entry in ClinVar:

ClinVar aggregate classification (germline): Likely pathogenic (1 of 4 stars; one submission).

Conditions:
Intellectual disability. Also called: Intellectual functioning disability; intellectual disabilities; Intellectual developmental disorder. Identifiers: MedGen C3714756, MeSH D008607, MONDO:0001071, HP:0001249.

Submission:

Groupe Hospitalier Pitie Salpetriere, Uf Genomique Du Developpement, Assistance Publique Hopitaux de Paris Sorbonne Université
Classification: Likely pathogenic for Intellectual disability. Last evaluated: 2022-11-14. Review status: criteria provided, single submitter. Criteria: ACMG Guidelines, 2015. Collection method: clinical testing. Allele origin: de novo. Inheritance: Sporadic. Affected: yes. Observed: 1 heterozygote.
Comment: RNAseq experiment showed a splice skipping of the inversed exons. In-silico analysis of initiating ATGs in the mutated transcript using contextual Kozak score suggested that several initiating ATGs were likely used to translate poisonous out-of-frame ORFs and would lead to the suppression of any in-frame rescuing translation, thereby causing haploinsufficiency.

NM_001282531.3(ADNP):c.-89-3923_201+2793inv

Gene: ADNP (activity dependent neuroprotector homeobox; minus strand). Cytogenetic location: 20q13.13.
Variant type: Inversion.
Coding change: c.-89-3923_201+2793inv on transcript NM_001282531.3 (MANE Select).
Molecular consequence: splice acceptor variant, splice donor variant, initiator codon variant.
Genome position: GRCh38: chr20:50,899,224-50,908,772. GRCh37 (hg19): chr20:49,515,761-49,525,309.
Other names: Chr20(GRCh37):g.49515761_49525309inv; c.-5-4771_201+2793inv (NM_181442.4, NM_015339.5); c.-89-3923_201+2793inv (NM_001347511.2); c.-6+728_201+2793inv (NM_001282532.2).
Identifiers: ClinVar variation 1879783 (VCV001879783.4), ClinGen allele CA2580098277.